The following is an entry in ClinVar:

ClinVar aggregate classification (germline): Conflicting classifications of pathogenicity. Review status: criteria provided, conflicting classifications (1 of 4 stars). 2 submissions from 2 submitters: Uncertain significance (1); Likely benign (1). Last evaluated 2025-09-22.

gnomAD v4.1: 128 of 1,612,180 alleles (0.0079%); highest among the groups gnomAD compares: Non-Finnish European, 0.011%; no homozygotes.

Submissions (2):

Labcorp Genetics (formerly Invitae), Labcorp
Classification: Uncertain significance. Last evaluated: 2025-09-22. Review status: criteria provided, single submitter. Criteria: Invitae Variant Classification Sherloc (09022015). Collection method: clinical testing. Allele origin: germline.
Comment: This sequence change falls in intron 19 of the CLCN7 gene. It does not directly change the encoded amino acid sequence of the CLCN7 protein. It affects a nucleotide within the consensus splice site. This variant is present in population databases (rs200682842, gnomAD 0.006%). This variant has not been reported in the literature in individuals affected with CLCN7-related conditions. ClinVar contains an entry for this variant (Variation ID: 2044037). Variants that disrupt the consensus splice site are a relatively common cause of aberrant splicing (PMID: 17576681, 9536098). Algorithms developed to predict the effect of sequence changes on RNA splicing suggest that this variant is not likely to affect RNA splicing. In summary, the available evidence is currently insufficient to determine the role of this variant in disease. Therefore, it has been classified as a Variant of Uncertain Significance.

Blueprint Genetics
Classification: Likely benign. Last evaluated: 2023-06-05. Review status: criteria provided, single submitter. Criteria: ACMG Guidelines, 2015. Collection method: clinical testing. Allele origin: germline.

Literature cited by the submitters: PubMed 17576681 (cited by Labcorp Genetics (formerly Invitae), Labcorp); PubMed 9536098 (cited by Labcorp Genetics (formerly Invitae), Labcorp).

NM_001287.6(CLCN7):c.1797+4C>A

Gene: CLCN7 (Cl-/H+ antiporter 7; minus strand). Cytogenetic location: 16p13.3.
Variant type: single nucleotide variant.
Coding change: c.1797+4C>A on transcript NM_001287.6 (MANE Select); 4 bases into the intron after coding-DNA position 1797, C replaced by A.
Molecular consequence: intron variant.
Genome position (GRCh38, 1-based): chr16:1,448,962, G>T on the plus strand (C>A on the coding strand, the complement: CLCN7 is on the minus strand). VCF-style: chr16-1448962-G-T. GRCh37 (hg19) VCF-style: chr16-1498963-G-T.
Other names: c.1725+4C>A (NM_001114331.3).
Identifiers: ClinVar variation 2044037 (VCV002044037.5), dbSNP rs200682842, ClinGen allele CA7810081.